The following is an entry in ClinVar:

NM_003072.5(SMARCA4):c.4175T>C (p.Ile1392Thr)

Gene: SMARCA4 (SWI/SNF related BAF chromatin remodeling complex subunit ATPase 4; plus strand). Cytogenetic location: 19p13.2.
Variant type: single nucleotide variant.
Coding change: c.4175T>C on transcript NM_003072.5 (MANE Select); coding-DNA position 4175, T replaced by C.
Protein change: p.Ile1392Thr; replaces isoleucine 1392 with threonine.
Molecular consequence: missense variant. On other transcripts: non-coding transcript variant (1).
Genome position (GRCh38, 1-based): chr19:11,041,311, T>C. VCF-style: chr19-11041311-T-C. GRCh37 (hg19) VCF-style: chr19-11151987-T-C.
Other names: c.4175T>C, p.Ile1392Thr (NM_001128844.3); c.4085T>C, p.Ile1362Thr (NM_001128845.2, NM_001128846.2); c.4076T>C, p.Ile1359Thr (NM_001128847.4, NM_001128848.2, NM_001374457.1); c.4271T>C, p.Ile1424Thr (NM_001128849.3, NM_001387283.1); c.4172T>C, p.Ile1391Thr (NM_001411150.1); short protein forms I1359T, I1391T, I1392T, I1424T, I1362T.
Identifiers: ClinVar variation 5029845 (VCV005029845.1).

ClinVar aggregate classification (germline): Uncertain significance (1 of 4 stars; one submission).

Conditions:
Hereditary cancer-predisposing syndrome. Also called: Neoplastic Syndromes, Hereditary; Tumor predisposition; Hereditary neoplastic syndrome; Hereditary Cancer Syndrome. Identifiers: Orphanet 140162, MedGen C0027672, MeSH D009386, MONDO:0015356.

Submission:

Ambry Genetics
Classification: Uncertain significance for Hereditary cancer-predisposing syndrome. Last evaluated: 2026-07-07. Review status: criteria provided, single submitter. Criteria: Ambry Variant Classification Scheme 2023. Collection method: clinical testing. Allele origin: germline.
Comment: The p.I1424T variant (also known as c.4271T>C), located in coding exon 30 of the SMARCA4 gene, results from a T to C substitution at nucleotide position 4271. The isoleucine at codon 1424 is replaced by threonine, an amino acid with similar properties. This amino acid position is conserved. In addition, the in silico prediction for this alteration is inconclusive. Based on the available evidence, the clinical significance of this variant remains unclear.